The following is an entry in ClinVar:

ClinVar aggregate classification (germline): Uncertain significance (1 of 4 stars; one submission).

Submission:

CeGaT Center for Human Genetics Tuebingen
Classification: Uncertain significance. Last evaluated: 2025-03-01. Review status: criteria provided, single submitter. Criteria: CeGaT Center For Human Genetics Tuebingen Variant Classification Criteria Version 2. Collection method: clinical testing. Allele origin: germline. Affected: yes. Observed: 1 variant allele.
Comment: SCN1A: PM2:Supporting, BP4

NM_001165963.4(SCN1A):c.465G>A (p.Lys155=)

Gene: SCN1A (sodium voltage-gated channel alpha subunit 1; minus strand). Cytogenetic location: 2q24.3.
Variant type: single nucleotide variant.
Coding change: c.465G>A on transcript NM_001165963.4 (MANE Select); coding-DNA position 465, G replaced by A.
Protein change: p.Lys155=; no amino-acid change (lysine 155 retained).
Molecular consequence: synonymous variant. On other transcripts: 5 prime UTR variant (1), non-coding transcript variant (1).
Genome position (GRCh38, 1-based): chr2:166,056,419, C>T on the plus strand (G>A on the coding strand, the complement: SCN1A is on the minus strand). VCF-style: chr2-166056419-C-T. GRCh37 (hg19) VCF-style: chr2-166912929-C-T.
Other names: c.465G>A, p.Lys155= (NM_001165964.3, NM_001202435.3, NM_001353948.2 and 10 more transcripts); c.-1961G>A (NM_001353961.2).
Identifiers: ClinVar variation 3778587 (VCV003778587.7).